The following is an entry in ClinVar:

ClinVar aggregate classification (germline): Uncertain significance. Review status: criteria provided, multiple submitters, no conflicts (2 of 4 stars). 2 submissions from 2 submitters: Uncertain significance (2). Last evaluated 2024-07-22.

Conditions:
Hereditary cancer-predisposing syndrome. Also called: Neoplastic Syndromes, Hereditary; Tumor predisposition; Hereditary neoplastic syndrome; Hereditary Cancer Syndrome. Identifiers: Orphanet 140162, MedGen C0027672, MeSH D009386, MONDO:0015356.
Cardiovascular phenotype. Identifiers: MedGen CN230736.

Submissions (2):

GeneDx
Classification: Uncertain significance. Last evaluated: 2024-07-22. Review status: criteria provided, single submitter. Criteria: GeneDx Variant Classification Process June 2021. Collection method: clinical testing. Allele origin: germline. Affected: yes.
Comment: Not observed at significant frequency in large population cohorts (gnomAD); In silico analysis indicates that this missense variant does not alter protein structure/function; Has not been previously published as pathogenic or benign to our knowledge

Ambry Genetics
Classification: Uncertain significance for Cardiovascular phenotype; Hereditary cancer-predisposing syndrome. Last evaluated: 2023-10-27. Review status: criteria provided, single submitter. Criteria: Ambry Variant Classification Scheme 2023. Collection method: clinical testing. Allele origin: germline.
Comment: The p.S1914N variant (also known as c.5741G>A), located in coding exon 38 of the NF1 gene, results from a G to A substitution at nucleotide position 5741. The serine at codon 1914 is replaced by asparagine, an amino acid with highly similar properties. This amino acid position is highly conserved in available vertebrate species. In addition, the in silico prediction for this alteration is inconclusive. Since supporting evidence is limited at this time, the clinical significance of this alteration remains unclear.

NM_001042492.3(NF1):c.5804G>A (p.Ser1935Asn)

Gene: NF1 (neurofibromin 1; plus strand). Cytogenetic location: 17q11.2.
Variant type: single nucleotide variant.
Coding change: c.5804G>A on transcript NM_001042492.3 (MANE Select); coding-DNA position 5804, G replaced by A.
Protein change: p.Ser1935Asn; replaces serine 1935 with asparagine.
Molecular consequence: missense variant.
Genome position (GRCh38, 1-based): chr17:31,330,490, G>A. VCF-style: chr17-31330490-G-A. GRCh37 (hg19) VCF-style: chr17-29657508-G-A.
Other names: c.5741G>A, p.Ser1914Asn (NM_000267.4); short protein forms S1914N, S1935N.
Identifiers: ClinVar variation 3237842 (VCV003237842.2), dbSNP rs2151544992.
Genomic context (GRCh38, chr17:31,330,490, plus strand): 5'-TGGCAGCCAATGAGCCACACCTCACGTTAGAATTTTTGGAAGAGTGTATTTCTGGATTTA[G>A]CAAATCTAGTAAGTAATGATAATTTTCTTTAATACTAACAATTATTCTAAGAGAATTCAA-3'
Protein context (NP_001035957.1, residues 1925-1945): EFLEECISGF[Ser1935Asn]KSSIELKHLC